The following is an entry in ClinVar:

ClinVar aggregate classification (germline): Uncertain significance (1 of 4 stars; one submission).

Conditions:
Nephronophthisis-like nephropathy 1 (NPHPL1). Identifiers: Orphanet 655, MedGen C3150419, MONDO:0013163, OMIM 613159.

Allele frequency attached by ClinVar (database versions not stated): gnomAD 0.00007; ExAC 0.00008; 1000 Genomes Project 30x 0.00016; 1000 Genomes Project 0.00020.
gnomAD v4.1: 75 of 1,614,152 alleles (0.0046%); highest among the groups gnomAD compares: African/African-American, 0.011%; no homozygotes.

Submission:

Labcorp Genetics (formerly Invitae), Labcorp
Classification: Uncertain significance for Nephronophthisis-like nephropathy 1. Last evaluated: 2025-10-26. Review status: criteria provided, single submitter. Criteria: Invitae Variant Classification Sherloc (09022015). Collection method: clinical testing. Allele origin: germline.
Comment: This sequence change replaces histidine, which is basic and polar, with aspartic acid, which is acidic and polar, at codon 421 of the XPNPEP3 protein (p.His421Asp). This variant is present in population databases (rs186524609, gnomAD 0.01%). This missense change has been observed in individual(s) with clinical features of XPNPEP3-related conditions (PMID: 37599822). ClinVar contains an entry for this variant (Variation ID: 2156762). Invitae Evidence Modeling of protein sequence and biophysical properties (such as structural, functional, and spatial information, amino acid conservation, physicochemical variation, residue mobility, and thermodynamic stability) indicates that this missense variant is expected to disrupt XPNPEP3 protein function with a positive predictive value of 80%. In summary, the available evidence is currently insufficient to determine the role of this variant in disease. Therefore, it has been classified as a Variant of Uncertain Significance.

Literature cited by the submitters: PubMed 37599822.

NM_022098.4(XPNPEP3):c.1261C>G (p.His421Asp)

Gene: XPNPEP3 (X-prolyl aminopeptidase 3; plus strand). Cytogenetic location: 22q13.2.
Variant type: single nucleotide variant.
Coding change: c.1261C>G on transcript NM_022098.4 (MANE Select); coding-DNA position 1261, C replaced by G.
Protein change: p.His421Asp; replaces histidine 421 with aspartic acid.
Molecular consequence: missense variant.
Genome position (GRCh38, 1-based): chr22:40,924,386, C>G. VCF-style: chr22-40924386-C-G. GRCh37 (hg19) VCF-style: chr22-41320390-C-G.
Other names: short protein forms H421D.
Identifiers: ClinVar variation 2156762 (VCV002156762.4), dbSNP rs186524609, ClinGen allele CA10251904.